The following is an entry in ClinVar:

ClinVar aggregate classification (germline): Conflicting classifications of pathogenicity. Review status: criteria provided, conflicting classifications (1 of 4 stars). 3 submissions from 3 submitters: Uncertain significance (2); Likely benign (1). Last evaluated 2025-05-28.

Conditions:
Hereditary cancer-predisposing syndrome. Also called: Hereditary neoplastic syndrome; Tumor predisposition; Neoplastic Syndromes, Hereditary; Hereditary Cancer Syndrome. Identifiers: Orphanet 140162, MedGen C0027672, MeSH D009386, MONDO:0015356.
Tuberous sclerosis syndrome (TSC). Also called: Tuberous Sclerosis Complex; Tuberous sclerosis. Identifiers: Orphanet 805, MedGen C0041341, MONDO:0001734.
Tuberous sclerosis 2 (TSC2). Identifiers: Orphanet 805, MedGen C1860707, MONDO:0013199, OMIM 613254.

Allele frequency attached by ClinVar (database versions not stated): gnomAD exomes below 0.00001; TOPMed below 0.00001; gnomAD 0.00001.
gnomAD v4.1: 3 of 1,613,292 alleles (0.00019%); highest among the groups gnomAD compares: Non-Finnish European, 0.00025%; no homozygotes.

Submissions (3):

Ambry Genetics
Classification: Uncertain significance for Hereditary cancer-predisposing syndrome. Last evaluated: 2025-05-28. Review status: criteria provided, single submitter. Criteria: Ambry Variant Classification Scheme 2023. Collection method: clinical testing. Allele origin: germline.
Comment: The p.P1517L variant (also known as c.4550C>T), located in coding exon 34 of the TSC2 gene, results from a C to T substitution at nucleotide position 4550. The proline at codon 1517 is replaced by leucine, an amino acid with similar properties. This amino acid position is highly conserved in available vertebrate species. In addition, this alteration is predicted to be deleterious by in silico analysis. Based on the available evidence, the clinical significance of this variant remains unclear.

Labcorp Genetics (formerly Invitae), Labcorp
Classification: Likely benign for Tuberous sclerosis 2. Last evaluated: 2023-09-26. Review status: criteria provided, single submitter. Criteria: Invitae Variant Classification Sherloc (09022015). Collection method: clinical testing. Allele origin: germline.

All of Us Research Program, National Institutes of Health
Classification: Uncertain significance for Tuberous sclerosis syndrome. Last evaluated: 2023-08-15. Review status: criteria provided, single submitter. Criteria: ACMG Guidelines, 2015. Collection method: clinical testing. Allele origin: germline. Inheritance: Autosomal dominant inheritance. Observed: 1 variant allele, 1 heterozygote.
Comment: This study involves interpretation of variants in research participants for the purpose of population health screening. Participant phenotype was not available at the time of variant classification. Additional details can be found in publication PMID: 35346344, PMCID: PMC8962531

NM_000548.5(TSC2):c.4550C>T (p.Pro1517Leu)

Gene: TSC2 (TSC complex subunit 2; plus strand). Cytogenetic location: 16p13.3.
Variant type: single nucleotide variant.
Coding change: c.4550C>T on transcript NM_000548.5 (MANE Select); coding-DNA position 4550, C replaced by T.
Protein change: p.Pro1517Leu; replaces proline 1517 with leucine.
Molecular consequence: missense variant.
Genome position (GRCh38, 1-based): chr16:2,085,007, C>T. VCF-style: chr16-2085007-C-T. GRCh37 (hg19) VCF-style: chr16-2135008-C-T.
Other names: c.4349C>T, p.Pro1450Leu (NM_001077183.3); c.4481C>T, p.Pro1494Leu (NM_001114382.3); c.4241C>T, p.Pro1414Leu (NM_001318827.2); c.4205C>T, p.Pro1402Leu (NM_001318829.2); c.3818C>T, p.Pro1273Leu (NM_001318831.2); c.4382C>T, p.Pro1461Leu (NM_001318832.2); c.4352C>T, p.Pro1451Leu (NM_001363528.2); c.4418C>T, p.Pro1473Leu (NM_001370404.1); and 1 more; short protein forms P1474L, P1402L, P1414L, P1461L, P1473L, P1494L, P1517L, P1273L.
Identifiers: ClinVar variation 950491 (VCV000950491.11), dbSNP rs1279603512, ClinGen allele CA394303002.